The following is an entry in ClinVar:

NM_001370298.3(FGD4):c.2645G>T (p.Gly882Val)

Gene: FGD4 (FYVE, RhoGEF and PH domain containing 4; plus strand). Cytogenetic location: 12p11.21.
Variant type: single nucleotide variant.
Coding change: c.2645G>T on transcript NM_001370298.3 (MANE Select); coding-DNA position 2645, G replaced by T.
Protein change: p.Gly882Val; replaces glycine 882 with valine.
Molecular consequence: missense variant. On other transcripts: intron variant (3).
Genome position (GRCh38, 1-based): chr12:32,640,466, G>T. VCF-style: chr12-32640466-G-T. GRCh37 (hg19) VCF-style: chr12-32793400-G-T.
Other names: c.2489G>T, p.Gly830Val (NM_001304481.2); c.1202G>T, p.Gly401Val (NM_001304484.2); c.1955G>T, p.Gly652Val (NM_001330373.2, NM_001330374.2, NM_001384130.1); c.1682G>T, p.Gly561Val (NM_001370297.1); c.2234G>T, p.Gly745Val (NM_001385118.1, NM_139241.3); c.2632+13G>T (NM_001384126.1); c.2221+13G>T (NM_001384127.1, NM_001384128.1); short protein forms G652V, G401V, G745V, G830V, G882V, G561V.
Identifiers: ClinVar variation 1367218 (VCV001367218.8), dbSNP rs1951104872, ClinGen allele CA384372774.

ClinVar aggregate classification (germline): Uncertain significance. Review status: criteria provided, multiple submitters, no conflicts (2 of 4 stars). 2 submissions from 2 submitters: Uncertain significance (2). Last evaluated 2022-10-13.

Conditions:
Charcot-Marie-Tooth disease type 4. Also called: Charcot-Marie-Tooth disease, type IV; Charcot-Marie-Tooth, Type 4. Identifiers: Orphanet 64749, MedGen C4082197, MONDO:0018995.
Inborn genetic diseases. Identifiers: MedGen C0950123, MeSH D030342.

Allele frequency attached by ClinVar (database versions not stated): TOPMed below 0.00001; gnomAD 0.00001; gnomAD exomes 0.00001.
gnomAD v4.1: 4 of 1,614,000 alleles (0.00025%); highest among the groups gnomAD compares: Non-Finnish European, 0.00034%; no homozygotes.

Submissions (2):

Labcorp Genetics (formerly Invitae), Labcorp
Classification: Uncertain significance for Charcot-Marie-Tooth disease type 4. Last evaluated: 2022-10-13. Review status: criteria provided, single submitter. Criteria: Invitae Variant Classification Sherloc (09022015). Collection method: clinical testing. Allele origin: germline.
Comment: In summary, the available evidence is currently insufficient to determine the role of this variant in disease. Therefore, it has been classified as a Variant of Uncertain Significance. Advanced modeling of protein sequence and biophysical properties (such as structural, functional, and spatial information, amino acid conservation, physicochemical variation, residue mobility, and thermodynamic stability) performed at Invitae indicates that this missense variant is not expected to disrupt FGD4 protein function. ClinVar contains an entry for this variant (Variation ID: 1367218). This variant has not been reported in the literature in individuals affected with FGD4-related conditions. This variant is not present in population databases (gnomAD no frequency). This sequence change replaces glycine, which is neutral and non-polar, with valine, which is neutral and non-polar, at codon 745 of the FGD4 protein (p.Gly745Val).

Ambry Genetics
Classification: Uncertain significance for Inborn genetic diseases. Last evaluated: 2021-11-15. Review status: criteria provided, single submitter. Criteria: Ambry Variant Classification Scheme 2023. Collection method: clinical testing. Allele origin: germline.
Comment: The p.G745V variant (also known as c.2234G>T), located in coding exon 15 of the FGD4 gene, results from a G to T substitution at nucleotide position 2234. The glycine at codon 745 is replaced by valine, an amino acid with dissimilar properties. This amino acid position is conserved. In addition, this alteration is predicted to be tolerated by in silico analysis. Since supporting evidence is limited at this time, the clinical significance of this alteration remains unclear.